The following is an entry in ClinVar:

ClinVar aggregate classification (germline): Uncertain significance. Review status: criteria provided, multiple submitters, no conflicts (2 of 4 stars). 2 submissions from 2 submitters: Uncertain significance (2). Last evaluated 2025-10-23.

Conditions:
Inborn genetic diseases. Identifiers: MedGen C0950123, MeSH D030342.

Allele frequency attached by ClinVar (database versions not stated): TOPMed below 0.00001; ExAC 0.00001; gnomAD 0.00001.
gnomAD v4.1: 11 of 1,613,904 alleles (0.00068%); highest among the groups gnomAD compares: Non-Finnish European, 0.00093%; no homozygotes.

Submissions (2):

Ambry Genetics
Classification: Uncertain significance for Inborn genetic diseases. Last evaluated: 2025-10-23. Review status: criteria provided, single submitter. Criteria: Ambry Variant Classification Scheme 2023. Collection method: clinical testing. Allele origin: germline.

Labcorp Genetics (formerly Invitae), Labcorp
Classification: Uncertain significance. Last evaluated: 2022-08-16. Review status: criteria provided, single submitter. Criteria: Invitae Variant Classification Sherloc (09022015). Collection method: clinical testing. Allele origin: germline.
Comment: This sequence change replaces aspartic acid, which is acidic and polar, with valine, which is neutral and non-polar, at codon 1383 of the KIAA1549 protein (p.Asp1383Val). This variant is present in population databases (rs770213038, gnomAD 0.0009%). This variant has not been reported in the literature in individuals affected with KIAA1549-related conditions. ClinVar contains an entry for this variant (Variation ID: 956698). Algorithms developed to predict the effect of missense changes on protein structure and function (SIFT, PolyPhen-2, Align-GVGD) all suggest that this variant is likely to be disruptive. In summary, the available evidence is currently insufficient to determine the role of this variant in disease. Therefore, it has been classified as a Variant of Uncertain Significance.

NM_001164665.2(KIAA1549):c.4148A>T (p.Asp1383Val)

Gene: KIAA1549 (KIAA1549; minus strand). Cytogenetic location: 7q34.
Variant type: single nucleotide variant.
Coding change: c.4148A>T on transcript NM_001164665.2 (MANE Select); coding-DNA position 4148, A replaced by T.
Protein change: p.Asp1383Val; replaces aspartic acid 1383 with valine.
Molecular consequence: missense variant.
Genome position (GRCh38, 1-based): chr7:138,881,469, T>A on the plus strand (A>T on the coding strand, the complement: KIAA1549 is on the minus strand). VCF-style: chr7-138881469-T-A. GRCh37 (hg19) VCF-style: chr7-138566215-T-A.
Other names: c.4148A>T, p.Asp1383Val (NM_020910.3); short protein forms D1383V.
Identifiers: ClinVar variation 956698 (VCV000956698.6), dbSNP rs770213038, ClinGen allele CA4505995.